The following is an entry in ClinVar:

NM_001099922.3(ALG13):c.2222A>G (p.Asp741Gly)

Gene: ALG13 (ALG13 UDP-N-acetylglucosaminyltransferase subunit; plus strand). Cytogenetic location: Xq23.
Variant type: single nucleotide variant.
Coding change: c.2222A>G on transcript NM_001099922.3 (MANE Select); coding-DNA position 2222, A replaced by G.
Protein change: p.Asp741Gly; replaces aspartic acid 741 with glycine.
Molecular consequence: missense variant. On other transcripts: non-coding transcript variant (1).
Genome position (GRCh38, 1-based): chrX:111,727,745, A>G. VCF-style: chrX-111727745-A-G. GRCh37 (hg19) VCF-style: chrX-110970973-A-G.
Other names: c.1910A>G, p.Asp637Gly (NM_001257230.2, NM_001257234.2, NM_001257237.2); c.1988A>G, p.Asp663Gly (NM_001257231.2); c.2222A>G, p.Asp741Gly (NM_001324292.2); c.1736A>G, p.Asp579Gly (NM_001324293.1); short protein forms D741G, D637G, D663G, D579G.
Identifiers: ClinVar variation 939880 (VCV000939880.8), dbSNP rs1942226321, ClinGen allele CA414253552.

ClinVar aggregate classification (germline): Uncertain significance (1 of 4 stars; one submission).

Conditions:
Developmental and epileptic encephalopathy, 36 (DEE36). Also called: Epileptic encephalopathy, early infantile, 36; ALG13-CDG; Congenital disorder of glycosylation, type Is. Identifiers: Orphanet 324422, MedGen C4317295, MONDO:0010472, OMIM 300884.

Submission:

Labcorp Genetics (formerly Invitae), Labcorp
Classification: Uncertain significance for Developmental and epileptic encephalopathy, 36. Last evaluated: 2022-03-18. Review status: criteria provided, single submitter. Criteria: Invitae Variant Classification Sherloc (09022015). Collection method: clinical testing. Allele origin: germline.
Comment: This variant is not present in population databases (gnomAD no frequency). This sequence change replaces aspartic acid, which is acidic and polar, with glycine, which is neutral and non-polar, at codon 741 of the ALG13 protein (p.Asp741Gly). This variant has not been reported in the literature in individuals affected with ALG13-related conditions. In summary, the available evidence is currently insufficient to determine the role of this variant in disease. Therefore, it has been classified as a Variant of Uncertain Significance. Algorithms developed to predict the effect of sequence changes on RNA splicing suggest that this variant may create or strengthen a splice site. Algorithms developed to predict the effect of missense changes on protein structure and function output the following: SIFT: "Deleterious"; PolyPhen-2: "Benign"; Align-GVGD: "Class C15". The glycine amino acid residue is found in multiple mammalian species, which suggests that this missense change does not adversely affect protein function. ClinVar contains an entry for this variant (Variation ID: 939880).